The following is an entry in ClinVar:

ClinVar aggregate classification (germline): Uncertain significance. Review status: criteria provided, multiple submitters, no conflicts (2 of 4 stars). 2 submissions from 2 submitters: Uncertain significance (2). Last evaluated 2023-10-01.

Conditions:
Retinal dystrophy. Also called: Inherited retinal dystrophy. Identifiers: Orphanet 71862, MedGen C0854723, MeSH D058499, MONDO:0019118, HP:0000556.
Leber congenital amaurosis 3 (LCA3). Also called: SPATA7-Related Retinitis Pigmentosa. Identifiers: MedGen C1858677, MONDO:0011415, OMIM 604232.

Allele frequency attached by ClinVar (database versions not stated): gnomAD 0.00001; gnomAD exomes 0.00001.
gnomAD v4.1: 14 of 1,613,518 alleles (0.00087%); highest among the groups gnomAD compares: East Asian, 0.029%; no homozygotes.

Submissions (2):

Dept Of Ophthalmology, Nagoya University
Classification: Uncertain significance for Retinal dystrophy. Last evaluated: 2023-10-01. Review status: criteria provided, single submitter. Criteria: Submitter's publication. Collection method: research. Allele origin: germline. Affected: yes.

Labcorp Genetics (formerly Invitae), Labcorp
Classification: Uncertain significance for Leber congenital amaurosis 3. Last evaluated: 2022-08-22. Review status: criteria provided, single submitter. Criteria: Invitae Variant Classification Sherloc (09022015). Collection method: clinical testing. Allele origin: germline.
Comment: In summary, the available evidence is currently insufficient to determine the role of this variant in disease. Therefore, it has been classified as a Variant of Uncertain Significance. This sequence change replaces proline, which is neutral and non-polar, with alanine, which is neutral and non-polar, at codon 353 of the SPATA7 protein (p.Pro353Ala). This variant is not present in population databases (gnomAD no frequency). This variant has not been reported in the literature in individuals affected with SPATA7-related conditions. Algorithms developed to predict the effect of missense changes on protein structure and function (SIFT, PolyPhen-2, Align-GVGD) all suggest that this variant is likely to be tolerated. Algorithms developed to predict the effect of sequence changes on RNA splicing suggest that this variant may create or strengthen a splice site.

NM_018418.5(SPATA7):c.1057C>G (p.Pro353Ala)

Gene: SPATA7 (spermatogenesis associated 7; plus strand). Cytogenetic location: 14q31.3.
Variant type: single nucleotide variant.
Coding change: c.1057C>G on transcript NM_018418.5 (MANE Select); coding-DNA position 1057, C replaced by G.
Protein change: p.Pro353Ala; replaces proline 353 with alanine.
Molecular consequence: missense variant.
Genome position (GRCh38, 1-based): chr14:88,431,200, C>G. VCF-style: chr14-88431200-C-G. GRCh37 (hg19) VCF-style: chr14-88897544-C-G.
Other names: c.961C>G, p.Pro321Ala (NM_001040428.4); short protein forms P321A, P353A.
Identifiers: ClinVar variation 2042706 (VCV002042706.5), dbSNP rs2076931415, ClinGen allele CA390567680.